The following is an entry in ClinVar:

ClinVar aggregate classification (germline): Uncertain significance (1 of 4 stars; one submission).

Conditions:
Ataxia-telangiectasia syndrome (AT). Also called: Ataxia-telangiectasia, complementation group D; AT, COMPLEMENTATION GROUP C; ATAXIA-TELANGIECTASIA, COMPLEMENTATION GROUP A; ATAXIA-TELANGIECTASIA, FRESNO VARIANT; Ataxia-telangiectasia; Ataxia telangiectasia (A-T). Identifiers: Orphanet 100, MedGen C0004135, MONDO:0008840, OMIM 208900.

Submission:

Labcorp Genetics (formerly Invitae), Labcorp
Classification: Uncertain significance for Ataxia-telangiectasia syndrome. Last evaluated: 2019-06-19. Review status: criteria provided, single submitter. Criteria: Invitae Variant Classification Sherloc (09022015). Collection method: clinical testing. Allele origin: germline.
Comment: This variant is not present in population databases (ExAC no frequency). This sequence change replaces aspartic acid with tyrosine at codon 2870 of the ATM protein (p.Asp2870Tyr). The aspartic acid residue is highly conserved and there is a large physicochemical difference between aspartic acid and tyrosine. This variant has not been reported in the literature in individuals with ATM-related conditions. In summary, the available evidence is currently insufficient to determine the role of this variant in disease. Therefore, it has been classified as a Variant of Uncertain Significance. Algorithms developed to predict the effect of missense changes on protein structure and function (SIFT, PolyPhen-2, Align-GVGD) all suggest that this variant is likely to be disruptive, but these predictions have not been confirmed by published functional studies and their clinical significance is uncertain.

NM_000051.4(ATM):c.8608G>T (p.Asp2870Tyr)

Genes: ATM (ATM serine/threonine kinase; plus strand), C11orf65 (chromosome 11 open reading frame 65; minus strand). Cytogenetic location: 11q22.3.
Variant type: single nucleotide variant.
Coding change: c.8608G>T on transcript NM_000051.4 (MANE Select); coding-DNA position 8608, G replaced by T.
Protein change: p.Asp2870Tyr; replaces aspartic acid 2870 with tyrosine.
Molecular consequence: missense variant. On other transcripts: intron variant (2).
Genome position (GRCh38, 1-based): chr11:108,347,302, G>T. VCF-style: chr11-108347302-G-T. GRCh37 (hg19) VCF-style: chr11-108218029-G-T.
Other names: c.8608G>T, p.Asp2870Tyr (NM_001351834.2); c.641-38231C>A (NM_001330368.2); c.695-12010C>A (NM_001351110.2); short protein forms D2870Y.
Identifiers: ClinVar variation 952057 (VCV000952057.10), dbSNP rs55798854, ClinGen allele CA382520549.